The following is an entry in ClinVar:

NM_199420.4(POLQ):c.1817G>A (p.Gly606Glu)

Gene: POLQ (DNA polymerase theta; minus strand). Cytogenetic location: 3q13.33.
Variant type: single nucleotide variant.
Coding change: c.1817G>A on transcript NM_199420.4 (MANE Select); coding-DNA position 1817, G replaced by A.
Protein change: p.Gly606Glu; replaces glycine 606 with glutamic acid.
Molecular consequence: missense variant.
Genome position (GRCh38, 1-based): chr3:121,509,703, C>T on the plus strand (G>A on the coding strand, the complement: POLQ is on the minus strand). VCF-style: chr3-121509703-C-T. GRCh37 (hg19) VCF-style: chr3-121228550-C-T.
Other names: short protein forms G606E.
Identifiers: ClinVar variation 2448902 (VCV002448902.2), dbSNP rs2546802111, ClinGen allele CA354114095.

ClinVar aggregate classification (germline): Uncertain significance (1 of 4 stars; one submission).

Submission:

Ambry Genetics
Classification: Uncertain significance. Last evaluated: 2022-11-10. Review status: criteria provided, single submitter. Criteria: Ambry Variant Classification Scheme 2023. Collection method: clinical testing. Allele origin: germline.
Comment: The p.G606E variant (also known as c.1817G>A) is located in coding exon 12 of the POLQ gene. The glycine at codon 606 is replaced by glutamic acid, an amino acid with similar properties. This change occurs in the first base pair of coding exon 12. This amino acid position is conserved. In addition, this alteration is predicted to be tolerated by in silico analysis. Since supporting evidence is limited at this time, the clinical significance of this alteration remains unclear.